The following is an entry in ClinVar:

ClinVar aggregate classification (germline): Uncertain significance (1 of 4 stars; one submission).

Submission:

Labcorp Genetics (formerly Invitae), Labcorp
Classification: Uncertain significance. Last evaluated: 2023-07-28. Review status: criteria provided, single submitter. Criteria: Invitae Variant Classification Sherloc (09022015). Collection method: clinical testing. Allele origin: germline.
Comment: In summary, the available evidence is currently insufficient to determine the role of this variant in disease. Therefore, it has been classified as a Variant of Uncertain Significance. Algorithms developed to predict the effect of missense changes on protein structure and function output the following: SIFT: "Not Available"; PolyPhen-2: "Benign"; Align-GVGD: "Not Available". The glutamic acid amino acid residue is found in multiple mammalian species, which suggests that this missense change does not adversely affect protein function. This variant has not been reported in the literature in individuals affected with CFH-related conditions. This variant is not present in population databases (gnomAD no frequency). This sequence change replaces alanine, which is neutral and non-polar, with glutamic acid, which is acidic and polar, at codon 484 of the CFH protein (p.Ala484Glu).

NM_000186.4(CFH):c.1451C>A (p.Ala484Glu)

Gene: CFH (complement factor H; plus strand). Cytogenetic location: 1q31.3.
Variant type: single nucleotide variant.
Coding change: c.1451C>A on transcript NM_000186.4 (MANE Select); coding-DNA position 1451, C replaced by A.
Protein change: p.Ala484Glu; replaces alanine 484 with glutamic acid.
Molecular consequence: missense variant.
Genome position (GRCh38, 1-based): chr1:196,713,849, C>A. VCF-style: chr1-196713849-C-A. GRCh37 (hg19) VCF-style: chr1-196682979-C-A.
Other names: short protein forms A484E.
Identifiers: ClinVar variation 2961744 (VCV002961744.3), dbSNP rs1668781638, ClinGen allele CA343982106.